The following is an entry in ClinVar:

ClinVar aggregate classification (germline): Pathogenic/Likely pathogenic. Review status: criteria provided, multiple submitters, no conflicts (2 of 4 stars). 2 submissions from 2 submitters: Pathogenic (1); Likely pathogenic (1). Last evaluated 2025-03-10.

Allele frequency attached by ClinVar (database versions not stated): gnomAD exomes below 0.00001; TOPMed below 0.00001; gnomAD 0.00001; ESP Exome Variant Server 0.00008.
gnomAD v4.1: 1 of 1,596,234 alleles (0.000063%); highest among the groups gnomAD compares: Non-Finnish European, 0.000086%; no homozygotes.

Submissions (2):

Labcorp Genetics (formerly Invitae), Labcorp
Classification: Pathogenic. Last evaluated: 2025-03-10. Review status: criteria provided, single submitter. Criteria: Invitae Variant Classification Sherloc (09022015). Collection method: clinical testing. Allele origin: germline.
Comment: This sequence change creates a premature translational stop signal (p.Gln210*) in the GDF5 gene. While this is not anticipated to result in nonsense mediated decay, it is expected to disrupt the last 292 amino acid(s) of the GDF5 protein. This variant is not present in population databases (gnomAD no frequency). This variant has not been reported in the literature in individuals affected with GDF5-related conditions. ClinVar contains an entry for this variant (Variation ID: 917852). Algorithms developed to predict the effect of sequence changes on RNA splicing suggest that this variant may disrupt the consensus splice site. This variant disrupts a region of the GDF5 protein in which other variant(s) (p.Leu441Pro) have been determined to be pathogenic (PMID: 12121354, 16014698). This suggests that this is a clinically significant region of the protein, and that variants that disrupt it are likely to be disease-causing. For these reasons, this variant has been classified as Pathogenic.

GeneDx
Classification: Likely pathogenic. Last evaluated: 2019-12-02. Review status: criteria provided, single submitter. Criteria: GeneDx Variant Classification (06012015). Collection method: clinical testing. Allele origin: germline. Affected: yes.
Comment: Observed as a heterozygous variant in internal GeneDx whole exome sequencing data in association with bilateral brachydactyly. Nonsense variant in the C-terminus predicted to result in protein truncation, as the last 292 amino acids are lost, and other loss-of-function variants have been reported downstream in the Human Gene Mutation Database (Stenson et al., 2014). Not observed at a significant frequency in large population cohorts (Lek et al., 2016). We interpret Q210X as a likely pathogenic variant

Literature cited by the submitters: PubMed 12121354 (cited by Labcorp Genetics (formerly Invitae), Labcorp); PubMed 16014698 (cited by Labcorp Genetics (formerly Invitae), Labcorp).

NM_000557.5(GDF5):c.628C>T (p.Gln210Ter)

Gene: GDF5 (growth differentiation factor 5; minus strand). Cytogenetic location: 20q11.22.
Variant type: single nucleotide variant.
Coding change: c.628C>T on transcript NM_000557.5 (MANE Select); coding-DNA position 628, C replaced by T.
Protein change: p.Gln210Ter; replaces glutamine 210 with a stop codon.
Molecular consequence: nonsense.
Genome position (GRCh38, 1-based): chr20:35,437,301, G>A on the plus strand (C>T on the coding strand, the complement: GDF5 is on the minus strand). VCF-style: chr20-35437301-G-A. GRCh37 (hg19) VCF-style: chr20-34025081-G-A.
Other names: c.628C>T, p.Gln210Ter (NM_001319138.2); short protein forms Q210*.
Identifiers: ClinVar variation 917852 (VCV000917852.3), dbSNP rs146968459, ClinGen allele CA314131753.